The following is an entry in ClinVar:

ClinVar aggregate classification (germline): Benign (1 of 4 stars; one submission).

Allele frequency attached by ClinVar (database versions not stated): ESP Exome Variant Server 0.00015; TOPMed 0.00022; 1000 Genomes Project 30x 0.00078; 1000 Genomes Project 0.00100; gnomAD 0.00160.
gnomAD v4.1: 1,618 of 1,612,670 alleles (0.1%); highest among the groups gnomAD compares: Non-Finnish European, 0.038%; 10 homozygotes.

Submission:

CeGaT Center for Human Genetics Tuebingen
Classification: Benign. Last evaluated: 2025-09-01. Review status: criteria provided, single submitter. Criteria: CeGaT Center For Human Genetics Tuebingen Variant Classification Criteria Version 2. Collection method: clinical testing. Allele origin: germline. Affected: yes. Observed: 2 variant alleles.
Comment: FOXP2: BS1, BS2

NM_014491.4(FOXP2):c.1266+34C>T

Gene: FOXP2 (forkhead box P2; plus strand). Cytogenetic location: 7q31.1.
Variant type: single nucleotide variant.
Coding change: c.1266+34C>T on transcript NM_014491.4 (MANE Select); 34 bases into the intron after coding-DNA position 1266, C replaced by T.
Molecular consequence: intron variant. On other transcripts: 3 prime UTR variant (2).
Genome position (GRCh38, 1-based): chr7:114,654,043, C>T. VCF-style: chr7-114654043-C-T. GRCh37 (hg19) VCF-style: chr7-114294098-C-T.
Other names: c.*1C>T (NM_001172767.2, NM_148899.3); c.1341+34C>T (NM_148898.4); c.1317+34C>T (NM_148900.4); c.1263+34C>T (NM_001172766.3).
Identifiers: ClinVar variation 2579028 (VCV002579028.25), dbSNP rs190627971, ClinGen allele CA4446046.